The following is an entry in ClinVar:

NM_006087.4(TUBB4A):c.447G>A (p.Thr149=)

Gene: TUBB4A (tubulin beta 4A class IVa; minus strand). Cytogenetic location: 19p13.3.
Variant type: single nucleotide variant.
Coding change: c.447G>A on transcript NM_006087.4 (MANE Select); coding-DNA position 447, G replaced by A.
Protein change: p.Thr149=; no amino-acid change (threonine 149 retained).
Molecular consequence: synonymous variant.
Genome position (GRCh38, 1-based): chr19:6,496,052, C>T on the plus strand (G>A on the coding strand, the complement: TUBB4A is on the minus strand). VCF-style: chr19-6496052-C-T. GRCh37 (hg19) VCF-style: chr19-6496063-C-T.
Other names: c.600G>A, p.Thr200= (NM_001289123.2); c.582G>A, p.Thr194= (NM_001289127.2); c.447G>A, p.Thr149= (NM_001289129.2); c.231G>A, p.Thr77= (NM_001289130.2, NM_001289131.2).
Identifiers: ClinVar variation 3388898 (VCV003388898.14).
Genomic context (GRCh38, chr19:6,496,052, plus strand): 5'-CACGCTGAAGGTGTTCATGATGCGGTCTGGGAACTCCTCGCGGATCTTACTGATGAGCAG[C>T]GTGCCCATTCCGGACCCCGTGCCACCCCCCAGCGAGTGGGTCAGCTGGAAGCCCTGAAGG-3'
Protein context (NP_006078.2, residues 139-159): LGGGTGSGMG[Thr149=]LLISKIREEF

ClinVar aggregate classification (germline): Uncertain significance (1 of 4 stars; one submission).

gnomAD v4.1: 7 of 1,614,054 alleles (0.00043%); highest among the groups gnomAD compares: East Asian, 0.0045%; no homozygotes.

Submission:

CeGaT Center for Human Genetics Tuebingen
Classification: Uncertain significance. Last evaluated: 2024-11-01. Review status: criteria provided, single submitter. Criteria: CeGaT Center For Human Genetics Tuebingen Variant Classification Criteria Version 2. Collection method: clinical testing. Allele origin: germline. Affected: yes. Observed: 1 variant allele.
Comment: TUBB4A: PP2